The following is an entry in ClinVar:

NM_002528.7(NTHL1):c.172_175del (p.Val58fs)

Gene: NTHL1 (nth like DNA glycosylase 1; minus strand). Cytogenetic location: 16p13.3.
Variant type: Deletion.
Coding change: c.172_175del on transcript NM_002528.7 (MANE Select); coding-DNA positions 172 to 175, 4 bases deleted (GTGG; older notation c.172_175delGTGG).
Protein change: p.Val58fs; shifts the reading frame from valine 58.
Molecular consequence: frameshift variant. On other transcripts: 5 prime UTR variant (1).
Genome position (GRCh38, 1-based): chr16:2,046,307-2,046,310, CCAC deleted on the plus strand (GTGG on the coding strand, the reverse complement: NTHL1 is on the minus strand). VCF-style (leftmost placement, unchanged base first): chr16-2046306-GCCAC-G. GRCh37 (hg19) VCF-style: chr16-2096307-GCCAC-G.
Other names: c.172_175del, p.Val58fs (NM_001318193.2); c.-7_-4del (NM_001318194.2); short protein forms V58fs.
Identifiers: ClinVar variation 1457235 (VCV001457235.6), dbSNP rs2150947033, ClinGen allele CA2573151824.

ClinVar aggregate classification (germline): Pathogenic (1 of 4 stars; one submission).

Submission:

Labcorp Genetics (formerly Invitae), Labcorp
Classification: Pathogenic. Last evaluated: 2025-01-02. Review status: criteria provided, single submitter. Criteria: Invitae Variant Classification Sherloc (09022015). Collection method: clinical testing. Allele origin: germline.
Comment: This sequence change creates a premature translational stop signal (p.Val66Profs*36) in the NTHL1 gene. It is expected to result in an absent or disrupted protein product. Loss-of-function variants in NTHL1 are known to be pathogenic (PMID: 25938944, 26559593). This variant is not present in population databases (gnomAD no frequency). This variant has not been reported in the literature in individuals affected with NTHL1-related conditions. ClinVar contains an entry for this variant (Variation ID: 1457235). For these reasons, this variant has been classified as Pathogenic.

Literature cited by the submitters: PubMed 25938944; PubMed 26559593.